The following is an entry in ClinVar:

ClinVar aggregate classification (germline): Uncertain significance. Review status: criteria provided, multiple submitters, no conflicts (2 of 4 stars). 2 submissions from 2 submitters: Uncertain significance (2). Last evaluated 2022-07-05.

Conditions:
Oculocutaneous albinism type 3 (OCA3). Also called: ALBINISM III; RUFOUS OCULOCUTANEOUS ALBINISM; XANTHISM; Albinism, oculocutaneous, type III; Rufous OCA; Rufous albinism. Identifiers: Orphanet 79433, MedGen C0342683, MONDO:0008747, OMIM 203290.

Allele frequency attached by ClinVar (database versions not stated): gnomAD exomes below 0.00001; gnomAD 0.00001; TOPMed 0.00002.
gnomAD v4.1: 33 of 1,614,046 alleles (0.002%); highest among the groups gnomAD compares: African/African-American, 0.004%; no homozygotes.

Submissions (2):

Labcorp Genetics (formerly Invitae), Labcorp
Classification: Uncertain significance. Last evaluated: 2022-07-05. Review status: criteria provided, single submitter. Criteria: Invitae Variant Classification Sherloc (09022015). Collection method: clinical testing. Allele origin: germline.
Comment: This sequence change replaces threonine, which is neutral and polar, with methionine, which is neutral and non-polar, at codon 176 of the TYRP1 protein (p.Thr176Met). This variant is present in population databases (no rsID available, gnomAD 0.007%). This variant has not been reported in the literature in individuals affected with TYRP1-related conditions. ClinVar contains an entry for this variant (Variation ID: 364854). Algorithms developed to predict the effect of missense changes on protein structure and function are either unavailable or do not agree on the potential impact of this missense change (SIFT: "Tolerated"; PolyPhen-2: "Possibly Damaging"; Align-GVGD: "Class C0"). In summary, the available evidence is currently insufficient to determine the role of this variant in disease. Therefore, it has been classified as a Variant of Uncertain Significance.

Illumina Laboratory Services, Illumina
Classification: Uncertain significance for Oculocutaneous albinism type 3. Last evaluated: 2018-01-13. Review status: criteria provided, single submitter. Criteria: ICSL Variant Classification Criteria 13 December 2019. Collection method: clinical testing. Allele origin: germline.

NM_000550.3(TYRP1):c.527C>T (p.Thr176Met)

Gene: TYRP1 (tyrosinase related protein 1; plus strand). Cytogenetic location: 9p23.
Variant type: single nucleotide variant.
Coding change: c.527C>T on transcript NM_000550.3 (MANE Select); coding-DNA position 527, C replaced by T.
Protein change: p.Thr176Met; replaces threonine 176 with methionine.
Molecular consequence: missense variant.
Genome position (GRCh38, 1-based): chr9:12,695,656, C>T. VCF-style: chr9-12695656-C-T. GRCh37 (hg19) VCF-style: chr9-12695656-C-T.
Other names: short protein forms T176M.
Identifiers: ClinVar variation 364854 (VCV000364854.6), dbSNP rs886063413, ClinGen allele CA10626431.